The following is an entry in ClinVar:

ClinVar aggregate classification (germline): Uncertain significance. Review status: criteria provided, multiple submitters, no conflicts (2 of 4 stars). 3 submissions from 3 submitters: Uncertain significance (3). Last evaluated 2024-05-15.

Conditions:
Borjeson-Forssman-Lehmann syndrome (BFLS). Also called: MENTAL RETARDATION, X-LINKED, SYNDROMIC, BORJESON-FORSSMAN-LEHMANN TYPE; MENTAL RETARDATION, EPILEPSY, AND ENDOCRINE DISORDERS; BORJESON SYNDROME. Identifiers: Orphanet 127, MedGen C0265339, MONDO:0010537, OMIM 301900.

Allele frequency attached by ClinVar (database versions not stated): gnomAD exomes below 0.00001 and 0.00002; TOPMed below 0.00001; gnomAD 0.00001; ExAC 0.00002.
gnomAD v4.1: 6 of 1,210,162 alleles (0.0005%); highest among the groups gnomAD compares: Admixed American, 0.011%; no homozygotes.

Submissions (3):

Fulgent Genetics
Classification: Uncertain significance for Borjeson-Forssman-Lehmann syndrome. Last evaluated: 2024-05-15. Review status: criteria provided, single submitter. Criteria: ACMG Guidelines, 2015. Collection method: clinical testing. Allele origin: germline.

Labcorp Genetics (formerly Invitae), Labcorp
Classification: Uncertain significance for Borjeson-Forssman-Lehmann syndrome. Last evaluated: 2024-02-05. Review status: criteria provided, single submitter. Criteria: Invitae Variant Classification Sherloc (09022015). Collection method: clinical testing. Allele origin: germline.
Comment: This sequence change replaces serine, which is neutral and polar, with alanine, which is neutral and non-polar, at codon 83 of the PHF6 protein (p.Ser83Ala). This variant is present in population databases (rs762897039, gnomAD 0.01%). This variant has not been reported in the literature in individuals affected with PHF6-related conditions. ClinVar contains an entry for this variant (Variation ID: 1325935). Advanced modeling of protein sequence and biophysical properties (such as structural, functional, and spatial information, amino acid conservation, physicochemical variation, residue mobility, and thermodynamic stability) has been performed at Invitae for this missense variant, however the output from this modeling did not meet the statistical confidence thresholds required to predict the impact of this variant on PHF6 protein function. In summary, the available evidence is currently insufficient to determine the role of this variant in disease. Therefore, it has been classified as a Variant of Uncertain Significance.

GeneDx
Classification: Uncertain significance. Last evaluated: 2021-11-04. Review status: criteria provided, single submitter. Criteria: GeneDx Variant Classification Process June 2021. Collection method: clinical testing. Allele origin: germline. Affected: yes.
Comment: In silico analysis supports that this missense variant does not alter protein structure/function; Has not been previously published as pathogenic or benign to our knowledge

NM_001015877.2(PHF6):c.247T>G (p.Ser83Ala)

Gene: PHF6 (PHD finger protein 6; plus strand). Cytogenetic location: Xq26.2.
Variant type: single nucleotide variant.
Coding change: c.247T>G on transcript NM_001015877.2 (MANE Select); coding-DNA position 247, T replaced by G.
Protein change: p.Ser83Ala; replaces serine 83 with alanine.
Molecular consequence: missense variant.
Genome position (GRCh38, 1-based): chrX:134,393,507, T>G. VCF-style: chrX-134393507-T-G. GRCh37 (hg19) VCF-style: chrX-133527537-T-G.
Other names: c.247T>G, p.Ser83Ala (NM_032335.3, NM_032458.3); short protein forms S83A.
Identifiers: ClinVar variation 1325935 (VCV001325935.6), dbSNP rs762897039, ClinGen allele CA10521186.
Genomic context (GRCh38, chrX:134,393,507, plus strand): 5'-ATACAGCCTTAGAAAGTCACATACTAATAATATTATTTTGTCGTTTTGCTGTAGATGTGT[T>G]CTTTGTGCCATTGTCCTGGAGCAACAATTGGTTGTGATGTGAAAACATGTCACAGGACAT-3'
Protein context (NP_001015877.1, residues 73-93): EIKRGTKLMC[Ser83Ala]LCHCPGATIG